The following is an entry in ClinVar:

ClinVar aggregate classification (germline): Uncertain significance (1 of 4 stars; one submission).

gnomAD v4.1: 1 of 1,451,190 alleles (0.000069%); highest among the groups gnomAD compares: Non-Finnish European, 0.000091%; no homozygotes.

Submission:

Labcorp Genetics (formerly Invitae), Labcorp
Classification: Uncertain significance. Last evaluated: 2023-08-16. Review status: criteria provided, single submitter. Criteria: Invitae Variant Classification Sherloc (09022015). Collection method: clinical testing. Allele origin: germline.
Comment: In summary, the available evidence is currently insufficient to determine the role of this variant in disease. Therefore, it has been classified as a Variant of Uncertain Significance. An algorithm developed to predict the effect of missense changes on protein structure and function (PolyPhen-2) suggests that this variant is likely to be disruptive. This variant has not been reported in the literature in individuals affected with LEMD3-related conditions. This variant is not present in population databases (gnomAD no frequency). This sequence change replaces arginine, which is basic and polar, with glycine, which is neutral and non-polar, at codon 102 of the LEMD3 protein (p.Arg102Gly).

NM_014319.5(LEMD3):c.304C>G (p.Arg102Gly)

Genes: LEMD3 (LEM domain containing 3; plus strand), LOC130008224 (ATAC-STARR-seq lymphoblastoid silent region 4630; plus strand). Cytogenetic location: 12q14.3.
Variant type: single nucleotide variant.
Coding change: c.304C>G on transcript NM_014319.5 (MANE Select); coding-DNA position 304, C replaced by G.
Protein change: p.Arg102Gly; replaces arginine 102 with glycine.
Molecular consequence: missense variant.
Genome position (GRCh38, 1-based): chr12:65,169,900, C>G. VCF-style: chr12-65169900-C-G. GRCh37 (hg19) VCF-style: chr12-65563680-C-G.
Other names: c.304C>G, p.Arg102Gly (NM_001167614.2); short protein forms R102G.
Identifiers: ClinVar variation 2812643 (VCV002812643.3), dbSNP rs1189699554, ClinGen allele CA385672538.
Genomic context (GRCh38, chr12:65,169,900, plus strand): 5'-GCGGCGGCGGCGGCCGCGGGGATGGGGGTCCGGCCGGTCTCGGGCGACCTCTCCTACTTA[C>G]GGACTCCTGGGGGCCTGTGCCGAATCTCGGCCTCTGGCCCAGAGAGCCTCCTGGGAGGGC-3'
Protein context (NP_055134.2, residues 92-112): RPVSGDLSYL[Arg102Gly]TPGGLCRISA